The following is an entry in ClinVar:

ClinVar aggregate classification (germline): Benign. Review status: criteria provided, multiple submitters, no conflicts (2 of 4 stars). 2 submissions from 2 submitters: Benign (2). Last evaluated 2018-06-14.

Allele frequency attached by ClinVar (database versions not stated): gnomAD 0.99909; 1000 Genomes Project 0.97504; 1000 Genomes Project 30x 0.99938.

Submissions (4):

GeneDx
Classification: Benign. Last evaluated: 2018-06-14. Review status: criteria provided, single submitter. Criteria: GeneDx Variant Classification (06012015). Collection method: clinical testing. Allele origin: germline. Affected: yes.
Comment: This variant is considered likely benign or benign based on one or more of the following criteria: it is a conservative change, it occurs at a poorly conserved position in the protein, it is predicted to be benign by multiple in silico algorithms, and/or has population frequency not consistent with disease.

Breakthrough Genomics
Classification: Benign. Review status: criteria provided, single submitter. Criteria: ACMG Guidelines, 2015. Collection method: not provided. Allele origin: germline. Inheritance: Autosomal recessive inheritance. Affected: yes.

Dr. Peter K. Rogan Lab, Western University
No classification provided (evidence only). Condition: Malignant lymphoma, large B-cell, diffuse. Review status: no classification provided. Collection method: in vitro. Allele origin: not applicable. Functional consequence: retained intron. Not counted in ClinVar's aggregate classification.

Dr. Peter K. Rogan Lab, Western University
No classification provided (evidence only). Condition: Hepatocellular carcinoma. Review status: no classification provided. Collection method: in vitro. Allele origin: not applicable. Functional consequence: retained intron. Not counted in ClinVar's aggregate classification.

NM_025137.4(SPG11):c.3146-102G>T

Gene: SPG11 (SPG11 vesicle trafficking associated, spatacsin; minus strand). Cytogenetic location: 15q21.1.
Variant type: single nucleotide variant.
Coding change: c.3146-102G>T on transcript NM_025137.4 (MANE Select); 102 bases into the intron before coding-DNA position 3146, G replaced by T.
Molecular consequence: intron variant.
Genome position (GRCh38, 1-based): chr15:44,611,087, C>A on the plus strand (G>T on the coding strand, the complement: SPG11 is on the minus strand). VCF-style: chr15-44611087-C-A. GRCh37 (hg19) VCF-style: chr15-44903285-C-A.
Other names: NC_000015.9:g.44903285C>A; c.3146-102G>T (NM_001160227.2).
Identifiers: ClinVar variation 670115 (VCV000670115.3), dbSNP rs12909507, ClinGen allele CA270064831.